The following is an entry in ClinVar:

NM_000069.3(CACNA1S):c.770A>G (p.Asn257Ser)

Gene: CACNA1S (calcium voltage-gated channel subunit alpha1 S; minus strand). Cytogenetic location: 1q32.1.
Variant type: single nucleotide variant.
Coding change: c.770A>G on transcript NM_000069.3 (MANE Select); coding-DNA position 770, A replaced by G.
Protein change: p.Asn257Ser; replaces asparagine 257 with serine.
Molecular consequence: missense variant.
Genome position (GRCh38, 1-based): chr1:201,089,388, T>C on the plus strand (A>G on the coding strand, the complement: CACNA1S is on the minus strand). VCF-style: chr1-201089388-T-C. GRCh37 (hg19) VCF-style: chr1-201058516-T-C.
Other names: c.770A>G (NM_000069.2); short protein forms N257S.
Identifiers: ClinVar variation 2927600 (VCV002927600.7), dbSNP rs972836175, ClinGen allele CA35993864.
Genomic context (GRCh38, chr1:201,089,388, plus strand): 5'-TTGTCGAAGTGGGTGATGCCATGGTTGGGCCCTGGCCAGCCGCCCCGGCACTCACTGCCA[T>C]TGATGGTGCACCGGCGCCCTGAGCCCGTCCTGGCGCAGGGCGATGGCTCTTCATTCTCCA-3'
Protein context (NP_000060.2, residues 247-267): RTGSGRRCTI[Asn257Ser]GSECRGGWPG

ClinVar aggregate classification (germline): Uncertain significance. Review status: criteria provided, multiple submitters, no conflicts (2 of 4 stars). 4 submissions from 4 submitters: Uncertain significance (4). Last evaluated 2025-04-13.

Conditions:
Malignant hyperthermia, susceptibility to, 5 (MHS5). Also called: CACNA1S-Related Malignant Hyperthermia Susceptibility. Identifiers: Orphanet 423, MedGen C1866077, MONDO:0011163, OMIM 601887.
Hypokalemic periodic paralysis, type 1. Also called: HypoPP; Hypokalemic Periodic Paralysis Type 1 (AD). Identifiers: Orphanet 681, MedGen C3714580, MONDO:0042979, OMIM 170400.

Allele frequency attached by ClinVar (database versions not stated): TOPMed 0.00001; gnomAD exomes 0.00001.

Submissions (4):

GeneDx
Classification: Uncertain significance. Last evaluated: 2025-04-13. Review status: criteria provided, single submitter. Criteria: GeneDx Variant Classification Process June 2021. Collection method: clinical testing. Allele origin: germline. Affected: yes.
Comment: Not observed at significant frequency in large population cohorts (gnomAD); In silico analysis supports that this missense variant has a deleterious effect on protein structure/function; Has not been previously published as pathogenic or benign to our knowledge

Dasa
Classification: Uncertain significance. Last evaluated: 2025-01-12. Review status: criteria provided, single submitter. Criteria: DASA Assertion Criteria. Collection method: clinical testing. Allele origin: germline.
Comment: NM_000069.3(CACNA1S):c.770A>G (p.Asn257Ser) is a missense variant that results in the substitution of asparagine with serine. This variant is rare in population databases. Computational prediction algorithms are consistent with a benign effect. The currently available literature and clinical evidence are not sufficient to establish a definitive association between this variant and the reported condition. Therefore, this variant is classified as a variant of uncertain significance.

All of Us Research Program, National Institutes of Health
Classification: Uncertain significance for Malignant hyperthermia, susceptibility to, 5. Last evaluated: 2024-02-05. Review status: criteria provided, single submitter. Criteria: ACMG Guidelines, 2015. Collection method: clinical testing. Allele origin: germline. Inheritance: Autosomal dominant inheritance. Observed: 1 variant allele, 1 heterozygote.
Comment: This missense variant replaces asparagine with serine at codon 257 of the CACNA1S protein. Computational prediction suggests that this variant may not impact protein structure and function (internally defined REVEL score threshold <= 0.5, PMID: 27666373). To our knowledge, functional studies have not been reported for this variant. This variant has not been reported in individuals affected with CACNA1S-related disorders in the literature. This variant has been identified in 2/282578 chromosomes in the general population by the Genome Aggregation Database (gnomAD). The available evidence is insufficient to determine the role of this variant in disease conclusively. Therefore, this variant is classified as a Variant of Uncertain Significance.

This study involves interpretation of variants in research participants for the purpose of population health screening. Participant phenotype was not available at the time of variant classification. Additional details can be found in publication PMID: 35346344, PMCID: PMC8962531

Labcorp Genetics (formerly Invitae), Labcorp
Classification: Uncertain significance for Hypokalemic periodic paralysis, type 1; Malignant hyperthermia, susceptibility to, 5. Last evaluated: 2023-11-27. Review status: criteria provided, single submitter. Criteria: Invitae Variant Classification Sherloc (09022015). Collection method: clinical testing. Allele origin: germline.
Comment: This sequence change replaces asparagine, which is neutral and polar, with serine, which is neutral and polar, at codon 257 of the CACNA1S protein (p.Asn257Ser). This variant is present in population databases (no rsID available, gnomAD 0.03%). This variant has not been reported in the literature in individuals affected with CACNA1S-related conditions. Advanced modeling of protein sequence and biophysical properties (such as structural, functional, and spatial information, amino acid conservation, physicochemical variation, residue mobility, and thermodynamic stability) performed at Invitae indicates that this missense variant is not expected to disrupt CACNA1S protein function with a negative predictive value of 80%. In summary, the available evidence is currently insufficient to determine the role of this variant in disease. Therefore, it has been classified as a Variant of Uncertain Significance.